The following is an entry in ClinVar:

ClinVar aggregate classification (germline): Uncertain significance (1 of 4 stars; one submission).

Conditions:
Familial cancer of breast. Also called: hereditary breast carcinoma; BREAST CANCER, FAMILIAL; Hereditary breast cancer. Identifiers: Orphanet 227535, MedGen C0346153, MONDO:0016419, OMIM 114480. Disease mechanism: loss of function.

Submission:

Labcorp Genetics (formerly Invitae), Labcorp
Classification: Uncertain significance for Familial cancer of breast. Last evaluated: 2024-06-18. Review status: criteria provided, single submitter. Criteria: Invitae Variant Classification Sherloc (09022015). Collection method: clinical testing. Allele origin: germline.
Comment: This sequence change replaces phenylalanine, which is neutral and non-polar, with leucine, which is neutral and non-polar, at codon 948 of the PALB2 protein (p.Phe948Leu). This variant is not present in population databases (gnomAD no frequency). This variant has not been reported in the literature in individuals affected with PALB2-related conditions. Advanced modeling of protein sequence and biophysical properties (such as structural, functional, and spatial information, amino acid conservation, physicochemical variation, residue mobility, and thermodynamic stability) performed at Invitae indicates that this missense variant is not expected to disrupt PALB2 protein function with a negative predictive value of 80%. In summary, the available evidence is currently insufficient to determine the role of this variant in disease. Therefore, it has been classified as a Variant of Uncertain Significance.

NM_024675.4(PALB2):c.2844T>G (p.Phe948Leu)

Gene: PALB2 (partner and localizer of BRCA2; minus strand). Cytogenetic location: 16p12.2.
Variant type: single nucleotide variant.
Coding change: c.2844T>G on transcript NM_024675.4 (MANE Select); coding-DNA position 2844, T replaced by G.
Protein change: p.Phe948Leu; replaces phenylalanine 948 with leucine.
Molecular consequence: missense variant. On other transcripts: intron variant (1).
Genome position (GRCh38, 1-based): chr16:23,623,121, A>C on the plus strand (T>G on the coding strand, the complement: PALB2 is on the minus strand). VCF-style: chr16-23623121-A-C. GRCh37 (hg19) VCF-style: chr16-23634442-A-C.
Other names: c.1959T>G, p.Phe653Leu (NM_001407306.1, NM_001407309.1, NM_001407308.1 and 4 more transcripts); c.1797T>G, p.Phe599Leu (NM_001407307.1); c.1056T>G, p.Phe352Leu (NM_001407312.1, NM_001407313.1); c.378T>G, p.Phe126Leu (NM_001407314.1); c.2834+888T>G (NM_001407300.1); c.2784T>G, p.Phe928Leu (NM_001407296.1); c.2772T>G, p.Phe924Leu (NM_001407297.1); c.2682T>G, p.Phe894Leu (NM_001407298.1, NM_001407302.1); and 1 more; short protein forms F352L, F894L, F948L, F599L, F653L, F126L, F924L, F928L.
Identifiers: ClinVar variation 3656893 (VCV003656893.2).
Genomic context (GRCh38, chr16:23,623,121, plus strand): 5'-AGCTTTTATATTTCCAGACTTCAGTAGTACTTGCTTTTCACTTTCATCATCAGAGGAACA[A>C]AACAATGCCCTAAGCCAAATATAAGGAAAAATGGGGTGATGTGAGGAGTAACCTTTTAAT-3'
Protein context (NP_078951.2, residues 938-958): NLEIREIRAL[Phe948Leu]CSSDDESEKQ